The following is an entry in ClinVar:

ClinVar aggregate classification (germline): Likely pathogenic (1 of 4 stars; one submission).

Conditions:
Autosomal recessive limb-girdle muscular dystrophy type 2J (LGMDR10). Also called: Limb-girdle muscular dystrophy, type 2J; MUSCULAR DYSTROPHY, LIMB-GIRDLE, AUTOSOMAL RECESSIVE 10. Identifiers: Orphanet 140922, MedGen C1837342, MONDO:0012127, OMIM 608807.
Dilated cardiomyopathy 1G (CMD1G). Identifiers: Orphanet 154, MedGen C1858763, MONDO:0011400, OMIM 604145.

Submission:

Labcorp Genetics (formerly Invitae), Labcorp
Classification: Likely pathogenic for Dilated cardiomyopathy 1G; Autosomal recessive limb-girdle muscular dystrophy type 2J. Last evaluated: 2023-11-12. Review status: criteria provided, single submitter. Criteria: Invitae Variant Classification Sherloc (09022015). Collection method: clinical testing. Allele origin: germline.
Comment: This sequence change creates a premature translational stop signal (p.Gly28971*) in the TTN gene. While this is not anticipated to result in nonsense mediated decay, it is expected to create a truncated TTN protein. This variant is not present in population databases (gnomAD no frequency). This premature translational stop signal has been observed in individual(s) with dilated cardiomyopathy (Invitae). This variant is located in the A band of TTN (PMID: 25589632). Truncating variants in this region are significantly overrepresented in patients affected with dilated cardiomyopathy (PMID: 25589632). Truncating variants in this region have also been reported in individuals affected with autosomal recessive centronuclear myopathy (PMID: 23975875). In summary, the currently available evidence indicates that the variant is pathogenic, but additional data are needed to prove that conclusively. Therefore, this variant has been classified as Likely Pathogenic.

Literature cited by the submitters: PubMed 25589632; PubMed 23975875.

NM_001267550.2(TTN):c.86911G>T (p.Gly28971Ter)

Genes: TTN-AS1 (TTN antisense RNA 1; plus strand), TTN (titin; minus strand). Cytogenetic location: 2q31.2.
Variant type: single nucleotide variant.
Coding change: c.86911G>T on transcript NM_001267550.2 (MANE Select); coding-DNA position 86911, G replaced by T.
Protein change: p.Gly28971Ter; replaces glycine 28971 with a stop codon.
Molecular consequence: nonsense.
Genome position (GRCh38, 1-based): chr2:178,558,548, C>A on the plus strand (G>T on the coding strand, the complement: TTN is on the minus strand). VCF-style: chr2-178558548-C-A. GRCh37 (hg19) VCF-style: chr2-179423275-C-A.
Other names: c.81988G>T, p.Gly27330Ter (NM_001256850.1); c.59716G>T, p.Gly19906Ter (NM_003319.4); c.79207G>T, p.Gly26403Ter (NM_133378.4); c.60091G>T, p.Gly20031Ter (NM_133432.3); c.60292G>T, p.Gly20098Ter (NM_133437.4); short protein forms G27330*, G26403*, G28971*, G19906*, G20031*, G20098*.
Identifiers: ClinVar variation 2953802 (VCV002953802.3), dbSNP rs368921501, ClinGen allele CA349540573.